The following is an entry in ClinVar:

NM_004523.4(KIF11):c.2160+4T>C

Gene: KIF11 (kinesin family member 11; plus strand). Cytogenetic location: 10q23.33.
Variant type: single nucleotide variant.
Coding change: c.2160+4T>C on transcript NM_004523.4 (MANE Select); 4 bases into the intron after coding-DNA position 2160, T replaced by C.
Molecular consequence: intron variant.
Genome position (GRCh38, 1-based): chr10:92,637,549, T>C. VCF-style: chr10-92637549-T-C. GRCh37 (hg19) VCF-style: chr10-94397306-T-C.
Identifiers: ClinVar variation 1925681 (VCV001925681.5), dbSNP rs773469686, ClinGen allele CA5604339.

ClinVar aggregate classification (germline): Uncertain significance (1 of 4 stars; one submission).

Allele frequency attached by ClinVar (database versions not stated): gnomAD exomes below 0.00001; ExAC 0.00001.
gnomAD v4.1: 2 of 1,598,218 alleles (0.00013%); highest among the groups gnomAD compares: Admixed American, 0.0037%; no homozygotes.

Submission:

Labcorp Genetics (formerly Invitae), Labcorp
Classification: Uncertain significance. Last evaluated: 2022-10-20. Review status: criteria provided, single submitter. Criteria: Invitae Variant Classification Sherloc (09022015). Collection method: clinical testing. Allele origin: germline.
Comment: This sequence change falls in intron 16 of the KIF11 gene. It does not directly change the encoded amino acid sequence of the KIF11 protein. It affects a nucleotide within the consensus splice site. In summary, the available evidence is currently insufficient to determine the role of this variant in disease. Therefore, it has been classified as a Variant of Uncertain Significance. Variants that disrupt the consensus splice site are a relatively common cause of aberrant splicing (PMID: 17576681, 9536098). Algorithms developed to predict the effect of sequence changes on RNA splicing suggest that this variant is not likely to affect RNA splicing. This variant has not been reported in the literature in individuals affected with KIF11-related conditions. This variant is present in population databases (rs773469686, gnomAD 0.004%).

Literature cited by the submitters: PubMed 17576681; PubMed 9536098.